The following is an entry in ClinVar:

ClinVar aggregate classification (germline): Pathogenic (1 of 4 stars; one submission).

Conditions:
Primary ciliary dyskinesia. Also called: Ciliary dyskinesia. Identifiers: Orphanet 244, MedGen C0008780, MONDO:0016575, HP:0012265.

Submission:

Labcorp Genetics (formerly Invitae), Labcorp
Classification: Pathogenic for Primary ciliary dyskinesia. Last evaluated: 2025-09-10. Review status: criteria provided, single submitter. Criteria: Invitae Variant Classification Sherloc (09022015). Collection method: clinical testing. Allele origin: germline.
Comment: This sequence change creates a premature translational stop signal (p.Ile693Lysfs*2) in the DNAH8 gene. It is expected to result in an absent or disrupted protein product. Loss-of-function variants in DNAH8 are known to be pathogenic (PMID: 24307375, 32619401, 32681648). This variant is not present in population databases (gnomAD no frequency). This variant has not been reported in the literature in individuals affected with DNAH8-related conditions. For these reasons, this variant has been classified as Pathogenic.

Literature cited by the submitters: PubMed 24307375; PubMed 32619401; PubMed 32681648.

NM_001206927.2(DNAH8):c.2076_2077dup (p.Ile693fs)

Gene: DNAH8 (dynein axonemal heavy chain 8; plus strand). Cytogenetic location: 6p21.2.
Variant type: Duplication.
Coding change: c.2076_2077dup on transcript NM_001206927.2 (MANE Select); coding-DNA positions 2076 to 2077, 2 bases duplicated (AA; older notation c.2076_2077dupAA).
Protein change: p.Ile693fs; shifts the reading frame from isoleucine 693.
Molecular consequence: frameshift variant.
Genome position (GRCh38, 1-based): chr6:38,780,002-38,780,003, AA duplicated; duplicating any 2 consecutive bases within chr6:38,780,001-38,780,003 gives the same sequence; the c. name uses the placement nearest the transcript's 3' end. VCF-style (leftmost placement, unchanged base first): chr6-38780000-G-GAA. GRCh37 (hg19) VCF-style: chr6-38747776-G-GAA.
Other names: c.1425_1426dup, p.Ile476fs (NM_001371.4); short protein forms I476fs, I693fs.
Identifiers: ClinVar variation 4724610 (VCV004724610.1).